The following is an entry in ClinVar:

NM_012330.4(KAT6B):c.1646A>G (p.His549Arg)

Gene: KAT6B (lysine acetyltransferase 6B; plus strand). Cytogenetic location: 10q22.2.
Variant type: single nucleotide variant.
Coding change: c.1646A>G on transcript NM_012330.4 (MANE Select); coding-DNA position 1646, A replaced by G.
Protein change: p.His549Arg; replaces histidine 549 with arginine.
Molecular consequence: missense variant. On other transcripts: intron variant (13).
Genome position (GRCh38, 1-based): chr10:74,975,983, A>G. VCF-style: chr10-74975983-A-G. GRCh37 (hg19) VCF-style: chr10-76735741-A-G.
Other names: c.1646A>G, p.His549Arg (NM_001370136.1, NM_001370137.1); c.1117+529A>G (NM_001370139.1, NM_001370140.1, NM_001370141.1 and 3 more transcripts); c.1444+202A>G (NM_001370138.1, NM_001256468.2); c.846+6208A>G (NM_001370133.1); c.193-3241A>G (NM_001370134.1); c.929-1333A>G (NM_001370143.1, NM_001370144.1); c.193-13036A>G (NM_001370135.1); short protein forms H549R.
Identifiers: ClinVar variation 2992093 (VCV002992093.3), dbSNP rs755919401, ClinGen allele CA5564447.

ClinVar aggregate classification (germline): Uncertain significance (1 of 4 stars; one submission).

Conditions:
Genitopatellar syndrome (GTPTS). Also called: ABSENT PATELLAE, SCROTAL HYPOPLASIA, RENAL ANOMALIES, FACIAL DYSMORPHISM, AND MENTAL RETARDATION; Genitopatellar syndrome (GPS). Identifiers: Orphanet 85201, MedGen C1853566, MONDO:0011640, OMIM 606170.

gnomAD v4.1: 1 of 1,614,052 alleles (0.000062%); highest among the groups gnomAD compares: East Asian, 0.0022%; no homozygotes.

Submission:

Labcorp Genetics (formerly Invitae), Labcorp
Classification: Uncertain significance for Genitopatellar syndrome. Last evaluated: 2022-11-14. Review status: criteria provided, single submitter. Criteria: Invitae Variant Classification Sherloc (09022015). Collection method: clinical testing. Allele origin: germline.
Comment: Algorithms developed to predict the effect of missense changes on protein structure and function (SIFT, PolyPhen-2, Align-GVGD) all suggest that this variant is likely to be tolerated. In summary, the available evidence is currently insufficient to determine the role of this variant in disease. Therefore, it has been classified as a Variant of Uncertain Significance. This variant has not been reported in the literature in individuals affected with KAT6B-related conditions. This sequence change replaces histidine, which is basic and polar, with arginine, which is basic and polar, at codon 549 of the KAT6B protein (p.His549Arg). This variant is present in population databases (rs755919401, gnomAD 0.01%).